The following is an entry in ClinVar:

ClinVar aggregate classification (germline): Uncertain significance (1 of 4 stars; one submission).

Conditions:
Seizures, benign familial infantile, 3 (BFIS3). Also called: Familial neonatal seizures; CONVULSIONS, BENIGN FAMILIAL INFANTILE, 3. Identifiers: Orphanet 140927, Orphanet 306, MedGen C1843140, MONDO:0011904, OMIM 607745.
Developmental and epileptic encephalopathy, 11 (DEE11). Also called: Early infantile epileptic encephalopathy 11. Identifiers: Orphanet 1934, MedGen C3150987, MONDO:0013388, OMIM 613721.

Submission:

Labcorp Genetics (formerly Invitae), Labcorp
Classification: Uncertain significance for Seizures, benign familial infantile, 3; Developmental and epileptic encephalopathy, 11. Last evaluated: 2024-05-13. Review status: criteria provided, single submitter. Criteria: Invitae Variant Classification Sherloc (09022015). Collection method: clinical testing. Allele origin: germline.
Comment: This sequence change replaces threonine, which is neutral and polar, with serine, which is neutral and polar, at codon 1547 of the SCN2A protein (p.Thr1547Ser). This variant is not present in population databases (gnomAD no frequency). This variant has not been reported in the literature in individuals affected with SCN2A-related conditions. ClinVar contains an entry for this variant (Variation ID: 1394159). Advanced modeling of protein sequence and biophysical properties (such as structural, functional, and spatial information, amino acid conservation, physicochemical variation, residue mobility, and thermodynamic stability) performed at Invitae indicates that this missense variant is expected to disrupt SCN2A protein function with a positive predictive value of 95%. In summary, the available evidence is currently insufficient to determine the role of this variant in disease. Therefore, it has been classified as a Variant of Uncertain Significance.

NM_001040142.2(SCN2A):c.4640C>G (p.Thr1547Ser)

Gene: SCN2A (sodium voltage-gated channel alpha subunit 2; plus strand). Cytogenetic location: 2q24.3.
Variant type: single nucleotide variant.
Coding change: c.4640C>G on transcript NM_001040142.2 (MANE Select); coding-DNA position 4640, C replaced by G.
Protein change: p.Thr1547Ser; replaces threonine 1547 with serine.
Molecular consequence: missense variant.
Genome position (GRCh38, 1-based): chr2:165,386,834, C>G. VCF-style: chr2-165386834-C-G. GRCh37 (hg19) VCF-style: chr2-166243344-C-G.
Other names: c.4640C>G, p.Thr1547Ser (NM_001040143.2, NM_001371246.1, NM_001371247.1 and 1 more transcripts); short protein forms T1547S.
Identifiers: ClinVar variation 1394159 (VCV001394159.6), dbSNP rs2105398315, ClinGen allele CA349036348.